The following is an entry in ClinVar:

ClinVar aggregate classification (germline): Uncertain significance. Review status: criteria provided, multiple submitters, no conflicts (2 of 4 stars). 2 submissions from 2 submitters: Uncertain significance (2). Last evaluated 2023-09-06.

Conditions:
Hypertrophic cardiomyopathy. Also called: HYPERTROPHIC MYOCARDIOPATHY. Identifiers: Orphanet 217569, MedGen C0007194, MeSH D002312, MONDO:0005045, HP:0001639.
Cardiovascular phenotype. Identifiers: MedGen CN230736.

Allele frequency attached by ClinVar (database versions not stated): gnomAD exomes below 0.00001; TOPMed below 0.00001.
gnomAD v4.1: 1 of 1,614,150 alleles (0.000062%); highest among the groups gnomAD compares: Admixed American, 0.0017%; no homozygotes.

Submissions (2):

Ambry Genetics
Classification: Uncertain significance for Cardiovascular phenotype. Last evaluated: 2023-09-06. Review status: criteria provided, single submitter. Criteria: Ambry Variant Classification Scheme 2023. Collection method: clinical testing. Allele origin: germline.
Comment: The p.E1461G variant (also known as c.4382A>G), located in coding exon 30 of the MYH7 gene, results from an A to G substitution at nucleotide position 4382. The glutamic acid at codon 1461 is replaced by glycine, an amino acid with similar properties. This amino acid position is highly conserved in available vertebrate species. In addition, the in silico prediction for this alteration is inconclusive. Since supporting evidence is limited at this time, the clinical significance of this alteration remains unclear.

Labcorp Genetics (formerly Invitae), Labcorp
Classification: Uncertain significance for Hypertrophic cardiomyopathy. Last evaluated: 2021-11-01. Review status: criteria provided, single submitter. Criteria: Invitae Variant Classification Sherloc (09022015). Collection method: clinical testing. Allele origin: germline.
Comment: This sequence change replaces glutamic acid, which is acidic and polar, with glycine, which is neutral and non-polar, at codon 1461 of the MYH7 protein (p.Glu1461Gly). This variant is present in population databases (no rsID available, gnomAD 0.003%). This variant has not been reported in the literature in individuals affected with MYH7-related conditions. Algorithms developed to predict the effect of missense changes on protein structure and function are either unavailable or do not agree on the potential impact of this missense change (SIFT: "Deleterious"; PolyPhen-2: "Possibly Damaging"; Align-GVGD: "Class C0"). In summary, the available evidence is currently insufficient to determine the role of this variant in disease. Therefore, it has been classified as a Variant of Uncertain Significance.

NM_000257.4(MYH7):c.4382A>G (p.Glu1461Gly)

Genes: MHRT (myosin heavy chain associated RNA transcript; plus strand), MYH7 (myosin heavy chain 7; minus strand). Cytogenetic location: 14q11.2.
Variant type: single nucleotide variant.
Coding change: c.4382A>G on transcript NM_000257.4 (MANE Select); coding-DNA position 4382, A replaced by G.
Protein change: p.Glu1461Gly; replaces glutamic acid 1461 with glycine.
Molecular consequence: missense variant. On other transcripts: non-coding transcript variant (1).
Genome position (GRCh38, 1-based): chr14:23,417,290, T>C on the plus strand (A>G on the coding strand, the complement: MYH7 is on the minus strand). VCF-style: chr14-23417290-T-C. GRCh37 (hg19) VCF-style: chr14-23886499-T-C.
Other names: short protein forms E1461G.
Identifiers: ClinVar variation 1363094 (VCV001363094.7), dbSNP rs995126992, ClinGen allele CA257811807.
Genomic context (GRCh38, chr14:23,417,290, plus strand): 5'-AGCTCTGTGCTGAGGGAGCGAGCCTCCTTCTGCGAGGACTCCAGCTCCGACTGCGACTCC[T>C]CATACTTCTGCTTCCACTCGGCCAGGATCTGCCCGGGGACAAGGCTCACTCTTCAGCCCC-3'
Protein context (NP_000248.2, residues 1451-1471): KILAEWKQKY[Glu1461Gly]ESQSELESSQ